The following is an entry in ClinVar:

ClinVar aggregate classification (germline): Uncertain significance (1 of 4 stars; one submission).

Submission:

Labcorp Genetics (formerly Invitae), Labcorp
Classification: Uncertain significance. Last evaluated: 2022-06-28. Review status: criteria provided, single submitter. Criteria: Invitae Variant Classification Sherloc (09022015). Collection method: clinical testing. Allele origin: germline.
Comment: This sequence change affects codon 190 of the FH mRNA. It is a 'silent' change, meaning that it does not change the encoded amino acid sequence of the FH protein. This variant is not present in population databases (gnomAD no frequency). This variant has not been reported in the literature in individuals affected with FH-related conditions. Algorithms developed to predict the effect of sequence changes on RNA splicing suggest that this variant may disrupt the consensus splice site. In summary, the available evidence is currently insufficient to determine the role of this variant in disease. Therefore, it has been classified as a Variant of Uncertain Significance.

NM_000143.4(FH):c.570T>A (p.Thr190=)

Gene: FH (fumarate hydratase; minus strand). Cytogenetic location: 1q43.
Variant type: single nucleotide variant.
Coding change: c.570T>A on transcript NM_000143.4 (MANE Select); coding-DNA position 570, T replaced by A.
Protein change: p.Thr190=; no amino-acid change (threonine 190 retained).
Molecular consequence: synonymous variant.
Genome position (GRCh38, 1-based): chr1:241,508,771, A>T on the plus strand (T>A on the coding strand, the complement: FH is on the minus strand). VCF-style: chr1-241508771-A-T. GRCh37 (hg19) VCF-style: chr1-241672071-A-T.
Identifiers: ClinVar variation 2058792 (VCV002058792.1), dbSNP rs2527327557, ClinGen allele CA424076174.